The following is an entry in ClinVar:

NM_001854.4(COL11A1):c.*301A>G

Gene: COL11A1 (collagen type XI alpha 1 chain; minus strand). Cytogenetic location: 1p21.1.
Variant type: single nucleotide variant.
Coding change: c.*301A>G on transcript NM_001854.4 (MANE Select); 301 bases downstream of the stop codon, A replaced by G.
Molecular consequence: 3 prime UTR variant. On other transcripts: non-coding transcript variant (1).
Genome position (GRCh38, 1-based): chr1:102,877,718, T>C on the plus strand (A>G on the coding strand, the complement: COL11A1 is on the minus strand). VCF-style: chr1-102877718-T-C. GRCh37 (hg19) VCF-style: chr1-103343274-T-C.
Other names: c.*301A>G (NM_001190709.2, NM_080629.3, NM_080630.4).
Identifiers: ClinVar variation 291488 (VCV000291488.8), dbSNP rs12731575, ClinGen allele CA10607202.
Genomic context (GRCh38, chr1:102,877,718, plus strand): 5'-ACTGTTTTAGTACATCCTGGATGGATGAGAATGAGCACCATATTTTTTATGAATATATAT[T>C]TTTCTTTTTTTGTTTTCTACAGCACCAAAGAAATTCAAATAGGAAAAGGAGAGTTGAGAA-3'

ClinVar aggregate classification (germline): Benign. Review status: criteria provided, multiple submitters, no conflicts (2 of 4 stars). 4 submissions from 3 submitters: Benign (4). Last evaluated 2018-06-14.

Conditions:
Stickler syndrome type 2 (STL2). Also called: STICKLER SYNDROME, TYPE II; STICKLER SYNDROME, BEADED VITREOUS TYPE; STICKLER SYNDROME, VITREOUS TYPE 2; COL11A1-Related Stickler Syndrome. Identifiers: Orphanet 828, Orphanet 90654, MedGen C1858084, MONDO:0011493, OMIM 604841.
Fibrochondrogenesis 1 (FBCG1). Identifiers: Orphanet 2021, MedGen C3278138, MONDO:0009226, OMIM 228520.

Allele frequency attached by ClinVar (database versions not stated): 1000 Genomes Project 30x 0.04435; 1000 Genomes Project 0.04553; gnomAD 0.04846 and 0.04880; TOPMed 0.04879; gnomAD exomes 0.05434.
gnomAD v4.1: 16,192 of 312,456 alleles (5.2%); highest among the groups gnomAD compares: Middle Eastern, 10%; 489 homozygotes.

Submissions (4):

GeneDx
Classification: Benign. Last evaluated: 2018-06-14. Review status: criteria provided, single submitter. Criteria: GeneDx Variant Classification Process June 2021. Collection method: clinical testing. Allele origin: germline. Affected: yes.

Illumina Laboratory Services, Illumina
Classification: Benign for Stickler syndrome type 2. Last evaluated: 2018-01-13. Review status: criteria provided, single submitter. Criteria: ICSL Variant Classification Criteria 13 December 2019. Collection method: clinical testing. Allele origin: germline.
Comment: This variant was observed in the ICSL laboratory as part of a predisposition screen in an ostensibly healthy population. It had not been previously curated by ICSL or reported in the Human Gene Mutation Database (HGMD: prior to June 1st, 2018), and was therefore a candidate for classification through an automated scoring system. Utilizing variant allele frequency, disease prevalence and penetrance estimates, and inheritance mode, an automated score was calculated to assess if this variant is too frequent to cause the disease. Based on the score and internal cut-off values, a variant classified as benign is not then subjected to further curation. The score for this variant resulted in a classification of benign for this disease.

Illumina Laboratory Services, Illumina
Classification: Benign for Fibrochondrogenesis 1. Last evaluated: 2018-01-13. Review status: criteria provided, single submitter. Criteria: ICSL Variant Classification Criteria 13 December 2019. Collection method: clinical testing. Allele origin: germline.
Comment: the same text as in the submission from Illumina Laboratory Services, Illumina above.

Breakthrough Genomics
Classification: Benign. Review status: criteria provided, single submitter. Criteria: ACMG Guidelines, 2015. Collection method: not provided. Allele origin: germline. Inheritance: Autosomal recessive inheritance. Affected: yes.